The following is an entry in ClinVar:

ClinVar aggregate classification (germline): Uncertain significance. Review status: criteria provided, multiple submitters, no conflicts (2 of 4 stars). 3 submissions from 3 submitters: Uncertain significance (3). Last evaluated 2025-04-17.

Conditions:
Hereditary cancer-predisposing syndrome. Also called: Hereditary neoplastic syndrome; Neoplastic Syndromes, Hereditary; Hereditary Cancer Syndrome; Tumor predisposition. Identifiers: Orphanet 140162, MedGen C0027672, MeSH D009386, MONDO:0015356.
Gastrointestinal stromal tumor. Also called: Gastrointestinal stromal tumor, somatic; Gastrointestinal stroma tumor. Identifiers: Orphanet 44890, MedGen C0238198, MeSH D046152, MONDO:0011719, OMIM 606764, HP:0100723.
Pheochromocytoma/paraganglioma syndrome 4. Also called: CAROTID BODY TUMORS AND MULTIPLE EXTRAADRENAL PHEOCHROMOCYTOMAS; SDHB-Related Hereditary Paraganglioma-Pheochromocytoma Syndrome; Paragangliomas 4; SDHB-Related Hereditary Paraganglioma-Pheochromocytoma Syndrome (Paragangliomas 4); PARAGANGLIOMA, FAMILIAL MALIGNANT; PARAGANGLIOMAS, HEREDITARY EXTRAADRENAL. Identifiers: Orphanet 29072, MedGen C1861848, MONDO:0007273, OMIM 115310.
Pheochromocytoma. Also called: MAX-Related Hereditary Paraganglioma-Pheochromocytoma Syndrome. Identifiers: Orphanet 29072, MedGen C0031511, MONDO:0008233, OMIM 171300, HP:0002666.

Allele frequency attached by ClinVar (database versions not stated): gnomAD exomes below 0.00001; ExAC 0.00001.
gnomAD v4.1: 4 of 1,614,166 alleles (0.00025%); highest among the groups gnomAD compares: South Asian, 0.0022%; no homozygotes.

Submissions (3):

GeneDx
Classification: Uncertain significance. Last evaluated: 2025-04-17. Review status: criteria provided, single submitter. Criteria: GeneDx Variant Classification Process June 2021. Collection method: clinical testing. Allele origin: germline. Affected: yes.
Comment: Not observed at significant frequency in large population cohorts (gnomAD); In silico analysis supports that this missense variant has a deleterious effect on protein structure/function; Has not been previously published as pathogenic or benign to our knowledge

Ambry Genetics
Classification: Uncertain significance for Hereditary cancer-predisposing syndrome. Last evaluated: 2025-01-19. Review status: criteria provided, single submitter. Criteria: Ambry Variant Classification Scheme 2023. Collection method: clinical testing. Allele origin: germline.
Comment: The p.Y61C variant (also known as c.182A>G), located in coding exon 2 of the SDHB gene, results from an A to G substitution at nucleotide position 182. The tyrosine at codon 61 is replaced by cysteine, an amino acid with highly dissimilar properties. This amino acid position is conserved. In addition, this alteration is predicted to be deleterious by in silico analysis. Based on the available evidence, the clinical significance of this variant remains unclear.

Labcorp Genetics (formerly Invitae), Labcorp
Classification: Uncertain significance for Gastrointestinal stromal tumor; Pheochromocytoma/paraganglioma syndrome 4; Pheochromocytoma. Last evaluated: 2024-08-27. Review status: criteria provided, single submitter. Criteria: Invitae Variant Classification Sherloc (09022015). Collection method: clinical testing. Allele origin: germline.
Comment: This sequence change replaces tyrosine, which is neutral and polar, with cysteine, which is neutral and slightly polar, at codon 61 of the SDHB protein (p.Tyr61Cys). This variant is present in population databases (rs768171765, gnomAD 0.003%). This variant has not been reported in the literature in individuals affected with SDHB-related conditions. ClinVar contains an entry for this variant (Variation ID: 945183). Invitae Evidence Modeling of protein sequence and biophysical properties (such as structural, functional, and spatial information, amino acid conservation, physicochemical variation, residue mobility, and thermodynamic stability) indicates that this missense variant is expected to disrupt SDHB protein function with a positive predictive value of 80%. In summary, the available evidence is currently insufficient to determine the role of this variant in disease. Therefore, it has been classified as a Variant of Uncertain Significance.

NM_003000.3(SDHB):c.182A>G (p.Tyr61Cys)

Gene: SDHB (succinate dehydrogenase complex iron sulfur subunit B; minus strand). Cytogenetic location: 1p36.13.
Variant type: single nucleotide variant.
Coding change: c.182A>G on transcript NM_003000.3 (MANE Select); coding-DNA position 182, A replaced by G.
Protein change: p.Tyr61Cys; replaces tyrosine 61 with cysteine.
Molecular consequence: missense variant.
Genome position (GRCh38, 1-based): chr1:17,044,779, T>C on the plus strand (A>G on the coding strand, the complement: SDHB is on the minus strand). VCF-style: chr1-17044779-T-C. GRCh37 (hg19) VCF-style: chr1-17371274-T-C.
Other names: short protein forms Y61C.
Identifiers: ClinVar variation 945183 (VCV000945183.9), dbSNP rs768171765, ClinGen allele CA089524.